The following is an entry in ClinVar:

NM_000135.4(FANCA):c.715G>C (p.Val239Leu)

Gene: FANCA (FA complementation group A; minus strand). Cytogenetic location: 16q24.3.
Variant type: single nucleotide variant.
Coding change: c.715G>C on transcript NM_000135.4 (MANE Select); coding-DNA position 715, G replaced by C.
Protein change: p.Val239Leu; replaces valine 239 with leucine.
Molecular consequence: missense variant.
Genome position (GRCh38, 1-based): chr16:89,803,336, C>G on the plus strand (G>C on the coding strand, the complement: FANCA is on the minus strand). VCF-style: chr16-89803336-C-G. GRCh37 (hg19) VCF-style: chr16-89869744-C-G.
Other names: c.715G>C, p.Val239Leu (NM_001018112.3, NM_001286167.3); c.619G>C, p.Val207Leu (NM_001351830.2); short protein forms V207L, V239L.
Identifiers: ClinVar variation 2078283 (VCV002078283.5), dbSNP rs1490757153, ClinGen allele CA397476474.

ClinVar aggregate classification (germline): Uncertain significance. Review status: criteria provided, multiple submitters, no conflicts (2 of 4 stars). 2 submissions from 2 submitters: Uncertain significance (2). Last evaluated 2025-01-19.

Conditions:
Fanconi anemia (FA). Also called: Fanconi's anemia. Identifiers: Orphanet 84, MedGen C0015625, MeSH D005199, MONDO:0019391.
Inborn genetic diseases. Identifiers: MedGen C0950123, MeSH D030342.

Allele frequency attached by ClinVar (database versions not stated): gnomAD 0.00001; gnomAD exomes below 0.00001.
gnomAD v4.1: 3 of 1,613,708 alleles (0.00019%); highest among the groups gnomAD compares: Non-Finnish European, 0.00025%; no homozygotes.

Submissions (2):

Ambry Genetics
Classification: Uncertain significance for Inborn genetic diseases. Last evaluated: 2025-01-19. Review status: criteria provided, single submitter. Criteria: Ambry Variant Classification Scheme 2023. Collection method: clinical testing. Allele origin: germline.
Comment: The p.V239L variant (also known as c.715G>C), located in coding exon 8 of the FANCA gene, results from a G to C substitution at nucleotide position 715. The valine at codon 239 is replaced by leucine, an amino acid with highly similar properties. This amino acid position is conserved. In addition, this alteration is predicted to be tolerated by in silico analysis. Based on the available evidence, the clinical significance of this variant remains unclear.

Labcorp Genetics (formerly Invitae), Labcorp
Classification: Uncertain significance for Fanconi anemia. Last evaluated: 2023-08-18. Review status: criteria provided, single submitter. Criteria: Invitae Variant Classification Sherloc (09022015). Collection method: clinical testing. Allele origin: germline.
Comment: In summary, the available evidence is currently insufficient to determine the role of this variant in disease. Therefore, it has been classified as a Variant of Uncertain Significance. Algorithms developed to predict the effect of sequence changes on RNA splicing suggest that this variant may create or strengthen a splice site. Advanced modeling of protein sequence and biophysical properties (such as structural, functional, and spatial information, amino acid conservation, physicochemical variation, residue mobility, and thermodynamic stability) performed at Invitae indicates that this missense variant is not expected to disrupt FANCA protein function. ClinVar contains an entry for this variant (Variation ID: 2078283). This variant has not been reported in the literature in individuals affected with FANCA-related conditions. This variant is not present in population databases (gnomAD no frequency). This sequence change replaces valine, which is neutral and non-polar, with leucine, which is neutral and non-polar, at codon 239 of the FANCA protein (p.Val239Leu).